The following is an entry in ClinVar:

ClinVar aggregate classification (germline): Conflicting classifications of pathogenicity. Review status: criteria provided, conflicting classifications (1 of 4 stars). 7 submissions from 7 submitters: Uncertain significance (3); Likely benign (4). Last evaluated 2026-03-10.

Conditions:
Bethlem myopathy 2 (BTHLM2). Identifiers: Orphanet 536516, Orphanet 610, MedGen C4225313, MONDO:0034022, OMIM 616471.
Ullrich congenital muscular dystrophy 2 (UCMD2). Identifiers: Orphanet 75840, MedGen C4225314, MONDO:0014654, OMIM 616470.

Allele frequency attached by ClinVar (database versions not stated): gnomAD 0.00023 and 0.00022; ESP Exome Variant Server 0.00025; TOPMed 0.00026; gnomAD exomes 0.00029 and 0.00031; ExAC 0.00033.
gnomAD v4.1: 469 of 1,609,984 alleles (0.029%); highest among the groups gnomAD compares: Middle Eastern, 0.4%; no homozygotes.

Submissions (7):

Women's Health and Genetics/Laboratory Corporation of America, LabCorp
Classification: Likely benign. Last evaluated: 2026-03-10. Review status: criteria provided, single submitter. Criteria: LabCorp Variant Classification Summary - May 2015. Collection method: clinical testing. Allele origin: germline.
Comment: Variant summary: COL12A1 c.6448T>C (p.Tyr2150His) results in a conservative amino acid change located in the Fibronectin type III (IPR003961) of the encoded protein sequence. Algorithms developed to predict the effect of missense changes on protein structure and function are either unavailable or do not agree on the potential impact of this missense change. The variant allele was found at a frequency of 0.00031 in 248840 control chromosomes. The observed variant frequency exceeds the estimated maximal expected allele frequency for disease-causing variants for Bethlem myopathy 2 phenotype in COL12A1. To our knowledge, no occurrence of c.6448T>C in individuals affected with Bethlem myopathy 2 phenotype and no experimental evidence demonstrating its impact on protein function have been reported. ClinVar contains an entry for this variant (Variation ID: 475888). Based on the evidence outlined above, the variant was classified as likely benign.

Labcorp Genetics (formerly Invitae), Labcorp
Classification: Likely benign for Bethlem myopathy 2; Ullrich congenital muscular dystrophy 2. Last evaluated: 2026-01-24. Review status: criteria provided, single submitter. Criteria: Invitae Variant Classification Sherloc (09022015). Collection method: clinical testing. Allele origin: germline.

GeneDx
Classification: Uncertain significance. Last evaluated: 2026-01-14. Review status: criteria provided, single submitter. Criteria: GeneDx Variant Classification Process June 2021. Collection method: clinical testing. Allele origin: germline. Affected: yes.
Comment: Reported in a patient with limb-girdle muscular dystrophy (LGMD) who also harbored a pathogenic variant in the CAPN3 gene (PMID: 29970176); In silico analysis supports that this missense variant has a deleterious effect on protein structure/function; This variant is associated with the following publications: (PMID: 29970176)

Mayo Clinic Laboratories, Mayo Clinic
Classification: Likely benign. Last evaluated: 2025-07-31. Review status: criteria provided, single submitter. Criteria: ACMG Guidelines, 2015. Collection method: clinical testing. Allele origin: germline. Observed: 2 variant alleles.
Comment: BS1, PP3

CeGaT Center for Human Genetics Tuebingen
Classification: Uncertain significance. Last evaluated: 2025-01-01. Review status: criteria provided, single submitter. Criteria: CeGaT Center For Human Genetics Tuebingen Variant Classification Criteria Version 2. Collection method: clinical testing. Allele origin: germline. Affected: yes. Observed: 3 variant alleles.

Blueprint Genetics
Classification: Uncertain significance. Last evaluated: 2024-11-01. Review status: criteria provided, single submitter. Criteria: ACMG Guidelines, 2015. Collection method: clinical testing. Allele origin: germline.

Revvity Omics, Revvity
Classification: Likely benign. Last evaluated: 2023-10-26. Review status: criteria provided, single submitter. Criteria: ACMG Guidelines, 2015. Collection method: clinical testing. Allele origin: germline.

NM_004370.6(COL12A1):c.6448T>C (p.Tyr2150His)

Gene: COL12A1 (collagen type XII alpha 1 chain; minus strand). Cytogenetic location: 6q13.
Variant type: single nucleotide variant.
Coding change: c.6448T>C on transcript NM_004370.6 (MANE Select); coding-DNA position 6448, T replaced by C.
Protein change: p.Tyr2150His; replaces tyrosine 2150 with histidine.
Molecular consequence: missense variant.
Genome position (GRCh38, 1-based): chr6:75,126,363, A>G on the plus strand (T>C on the coding strand, the complement: COL12A1 is on the minus strand). VCF-style: chr6-75126363-A-G. GRCh37 (hg19) VCF-style: chr6-75836079-A-G.
Other names: p.Tyr2150His; c.2956T>C, p.Tyr986His (NM_080645.3); short protein forms Y2150H, Y986H.
Identifiers: ClinVar variation 475888 (VCV000475888.60), dbSNP rs200450866, ClinGen allele CA3892808.